The following is an entry in ClinVar:

ClinVar aggregate classification (germline): Uncertain significance. Review status: criteria provided, multiple submitters, no conflicts (2 of 4 stars). 2 submissions from 2 submitters: Uncertain significance (2). Last evaluated 2026-01-18.

Allele frequency attached by ClinVar (database versions not stated): ExAC 0.00001; gnomAD 0.00001; gnomAD exomes 0.00001 and 0.00002; TOPMed 0.00002.
gnomAD v4.1: 13 of 1,614,116 alleles (0.00081%); highest among the groups gnomAD compares: African/African-American, 0.0013%; no homozygotes.

Submissions (2):

Labcorp Genetics (formerly Invitae), Labcorp
Classification: Uncertain significance. Last evaluated: 2026-01-18. Review status: criteria provided, single submitter. Criteria: Invitae Variant Classification Sherloc (09022015). Collection method: clinical testing. Allele origin: germline.
Comment: This sequence change replaces leucine, which is neutral and non-polar, with proline, which is neutral and non-polar, at codon 813 of the RNF31 protein (p.Leu813Pro). This variant is present in population databases (rs760433228, gnomAD 0.007%). This variant has not been reported in the literature in individuals affected with RNF31-related conditions. ClinVar contains an entry for this variant (Variation ID: 1463118). An algorithm developed to predict the effect of missense changes on protein structure and function (PolyPhen-2) suggests that this variant is likely to be disruptive. In summary, the available evidence is currently insufficient to determine the role of this variant in disease. Therefore, it has been classified as a Variant of Uncertain Significance.

Ambry Genetics
Classification: Uncertain significance. Last evaluated: 2025-10-28. Review status: criteria provided, single submitter. Criteria: Ambry Variant Classification Scheme 2023. Collection method: clinical testing. Allele origin: germline.

NM_017999.5(RNF31):c.2438T>C (p.Leu813Pro)

Gene: RNF31 (ring finger protein 31; plus strand). Cytogenetic location: 14q12.
Variant type: single nucleotide variant.
Coding change: c.2438T>C on transcript NM_017999.5 (MANE Select); coding-DNA position 2438, T replaced by C.
Protein change: p.Leu813Pro; replaces leucine 813 with proline.
Molecular consequence: missense variant.
Genome position (GRCh38, 1-based): chr14:24,155,637, T>C. VCF-style: chr14-24155637-T-C. GRCh37 (hg19) VCF-style: chr14-24624846-T-C.
Other names: c.2438T>C (NM_017999.4); c.1985T>C, p.Leu662Pro (NM_001310332.2); short protein forms L662P, L813P.
Identifiers: ClinVar variation 1463118 (VCV001463118.7), dbSNP rs760433228, ClinGen allele CA7126062.